The following is an entry in ClinVar:

ClinVar aggregate classification (germline): Uncertain significance. Review status: criteria provided, multiple submitters, no conflicts (2 of 4 stars). 2 submissions from 2 submitters: Uncertain significance (2). Last evaluated 2025-05-12.

Conditions:
Cardiovascular phenotype. Identifiers: MedGen CN230736.
Long QT syndrome (LQTS). Identifiers: MedGen C0023976, MeSH D008133, MONDO:0002442. Disease mechanism: loss of function. Inheritance: Various modes of inheritance.

Allele frequency attached by ClinVar (database versions not stated): gnomAD exomes below 0.00001; gnomAD 0.00001.
gnomAD v4.1: 8 of 1,614,162 alleles (0.0005%); highest among the groups gnomAD compares: Admixed American, 0.0017%; no homozygotes.

Submissions (2):

Labcorp Genetics (formerly Invitae), Labcorp
Classification: Uncertain significance for Long QT syndrome. Last evaluated: 2025-05-12. Review status: criteria provided, single submitter. Criteria: Invitae Variant Classification Sherloc (09022015). Collection method: clinical testing. Allele origin: germline.
Comment: This sequence change replaces arginine, which is basic and polar, with glutamine, which is neutral and polar, at codon 3320 of the AKAP9 protein (p.Arg3320Gln). This variant is present in population databases (no rsID available, gnomAD 0.003%). This variant has not been reported in the literature in individuals affected with AKAP9-related conditions. ClinVar contains an entry for this variant (Variation ID: 1768719). An algorithm developed to predict the effect of missense changes on protein structure and function (PolyPhen-2) suggests that this variant is likely to be disruptive. In summary, the available evidence is currently insufficient to determine the role of this variant in disease. Therefore, it has been classified as a Variant of Uncertain Significance.

Ambry Genetics
Classification: Uncertain significance for Cardiovascular phenotype. Last evaluated: 2023-03-06. Review status: criteria provided, single submitter. Criteria: Ambry Variant Classification Scheme 2023. Collection method: clinical testing. Allele origin: germline.
Comment: The p.R3320Q variant (also known as c.9959G>A), located in coding exon 41 of the AKAP9 gene, results from a G to A substitution at nucleotide position 9959. The arginine at codon 3320 is replaced by glutamine, an amino acid with highly similar properties. This amino acid position is not well conserved in available vertebrate species. In addition, this alteration is predicted to be tolerated by in silico analysis. The evidence for this gene-disease relationship is limited; therefore, the clinical significance of this alteration is unclear.

NM_005751.5(AKAP9):c.9959G>A (p.Arg3320Gln)

Gene: AKAP9 (A-kinase anchoring protein 9; plus strand). Cytogenetic location: 7q21.2.
Variant type: single nucleotide variant.
Coding change: c.9959G>A on transcript NM_005751.5 (MANE Select); coding-DNA position 9959, G replaced by A.
Protein change: p.Arg3320Gln; replaces arginine 3320 with glutamine.
Molecular consequence: missense variant.
Genome position (GRCh38, 1-based): chr7:92,096,918, G>A. VCF-style: chr7-92096918-G-A. GRCh37 (hg19) VCF-style: chr7-91726232-G-A.
Other names: c.4604G>A, p.Arg1535Gln (NM_001379277.1); c.9935G>A, p.Arg3312Gln (NM_147185.3); short protein forms R3320Q, R1535Q, R3312Q.
Identifiers: ClinVar variation 1768719 (VCV001768719.8), dbSNP rs867646139, ClinGen allele CA161896876.
Genomic context (GRCh38, chr7:92,096,918, plus strand): 5'-TACTTCTTGAATCTGAGAAAGTTCGAATTCGGGAAATGAGTAGTACCCTAGATAGGGAGC[G>A]GGAATTGCACGCACAGCTGCAGAGCAGTGATGGTACTGGACAGTCTCGGCCACCCTTGCC-3'
Protein context (NP_005742.4, residues 3310-3330): REMSSTLDRE[Arg3320Gln]ELHAQLQSSD